The following is an entry in ClinVar:

ClinVar aggregate classification (germline): Uncertain significance (1 of 4 stars; one submission).

Conditions:
Turnpenny-fry syndrome. Also called: NEUROCARDIOSKELETAL SYNDROME. Identifiers: Orphanet 688642, MedGen C5193060, MONDO:0032707, OMIM 618371.

Submission:

Clinical Genomics Laboratory, Washington University in St. Louis
Classification: Uncertain significance for Turnpenny-fry syndrome. Last evaluated: 2023-07-05. Review status: criteria provided, single submitter. Criteria: ACMG Guidelines, 2015. Collection method: clinical testing. Allele origin: germline.
Comment: The PCGF2 c.147dup (p.Asn50fs) variant, to our knowledge, has not been reported in the medical literature and is absent from the general population (gnomAD v.2.1.1), indicating it is not a common variant. This variant causes a frameshift by duplicating a single nucleotide, leading to a premature termination codon, which is predicted to lead to nonsense mediated decay. However, the only definitively pathogenic variants identified are missense: p.Pro65Arg, p.Pro65Leu, p.Pro65Ser. Due to limited information, and based on ACMG/AMP guidelines for variant interpretation (Richards S et al., PMID: 25741868), the clinical significance of this variant is uncertain at this time.

NM_007144.3(PCGF2):c.147dup (p.Asn50fs)

Gene: PCGF2 (polycomb group ring finger 2; minus strand). Cytogenetic location: 17q12.
Variant type: Duplication.
Coding change: c.147dup on transcript NM_007144.3 (MANE Select); coding-DNA position 147, one base duplicated (C; older notation c.147dupC).
Protein change: p.Asn50fs; shifts the reading frame from asparagine 50.
Molecular consequence: frameshift variant.
Genome position (GRCh38, 1-based): chr17:38,739,648, G duplicated on the plus strand (C on the coding strand, the reverse complement: PCGF2 is on the minus strand); the first of 2 consecutive G bases (chr17:38,739,648-38,739,649); duplicating either gives the same sequence. VCF-style (leftmost placement, unchanged base first): chr17-38739647-T-TG. GRCh37 (hg19) VCF-style: chr17-36895900-T-TG.
Other names: c.147dup, p.Asn50fs (NM_001369614.1, NM_001369615.1); short protein forms N50fs.
Identifiers: ClinVar variation 2672205 (VCV002672205.1), dbSNP rs2508691922, ClinGen allele CA2695201327.